The following is an entry in ClinVar:

NM_001105206.3(LAMA4):c.763T>C (p.Cys255Arg)

Gene: LAMA4 (laminin subunit alpha 4; minus strand). Cytogenetic location: 6q21.
Variant type: single nucleotide variant.
Coding change: c.763T>C on transcript NM_001105206.3 (MANE Select); coding-DNA position 763, T replaced by C.
Protein change: p.Cys255Arg; replaces cysteine 255 with arginine.
Molecular consequence: missense variant.
Genome position (GRCh38, 1-based): chr6:112,189,161, A>G on the plus strand (T>C on the coding strand, the complement: LAMA4 is on the minus strand). VCF-style: chr6-112189161-A-G. GRCh37 (hg19) VCF-style: chr6-112510363-A-G.
Other names: c.763T>C, p.Cys255Arg (NM_001105207.3, NM_002290.5); c.763T>C (NM_002290.3); short protein forms C255R.
Identifiers: ClinVar variation 1046664 (VCV001046664.9), dbSNP rs1554347693, ClinGen allele CA365376704.

ClinVar aggregate classification (germline): Uncertain significance. Review status: criteria provided, multiple submitters, no conflicts (2 of 4 stars). 2 submissions from 2 submitters: Uncertain significance (2). Last evaluated 2025-09-26.

Conditions:
Cardiovascular phenotype. Identifiers: MedGen CN230736.
Dilated cardiomyopathy 1JJ (CMD1JJ). Identifiers: Orphanet 154, MedGen C3808935, MONDO:0014095, OMIM 615235.

Allele frequency attached by ClinVar (database versions not stated): gnomAD exomes below 0.00001; TOPMed below 0.00001.

Submissions (2):

Ambry Genetics
Classification: Uncertain significance for Cardiovascular phenotype. Last evaluated: 2025-09-26. Review status: criteria provided, single submitter. Criteria: Ambry Variant Classification Scheme 2023. Collection method: clinical testing. Allele origin: germline.

Labcorp Genetics (formerly Invitae), Labcorp
Classification: Uncertain significance for Dilated cardiomyopathy 1JJ. Last evaluated: 2024-10-16. Review status: criteria provided, single submitter. Criteria: Invitae Variant Classification Sherloc (09022015). Collection method: clinical testing. Allele origin: germline.
Comment: This sequence change replaces cysteine, which is neutral and slightly polar, with arginine, which is basic and polar, at codon 255 of the LAMA4 protein (p.Cys255Arg). This variant is present in population databases (no rsID available, gnomAD 0.007%). This variant has not been reported in the literature in individuals affected with LAMA4-related conditions. ClinVar contains an entry for this variant (Variation ID: 1046664). An algorithm developed to predict the effect of missense changes on protein structure and function (PolyPhen-2) suggests that this variant is likely to be disruptive. In summary, the available evidence is currently insufficient to determine the role of this variant in disease. Therefore, it has been classified as a Variant of Uncertain Significance.